The following is an entry in ClinVar:

NM_001083961.2(WDR62):c.2520+5G>T

Gene: WDR62 (WD repeat domain 62; plus strand). Cytogenetic location: 19q13.12.
Variant type: single nucleotide variant.
Coding change: c.2520+5G>T on transcript NM_001083961.2 (MANE Select); 5 bases into the intron after coding-DNA position 2520, G replaced by T.
Molecular consequence: intron variant.
Genome position (GRCh38, 1-based): chr19:36,097,084, G>T. VCF-style: chr19-36097084-G-T. GRCh37 (hg19) VCF-style: chr19-36587986-G-T.
Other names: c.2520+5G>T (NM_173636.5).
Identifiers: ClinVar variation 961943 (VCV000961943.12), dbSNP rs754976942, ClinGen allele CA9395961.

ClinVar aggregate classification (germline): Pathogenic. Review status: criteria provided, multiple submitters, no conflicts (2 of 4 stars). 4 submissions from 4 submitters: Pathogenic (3). 1 of the submissions does not count toward it. Last evaluated 2022-07-12.

Conditions:
WDR62-related disorder. Also called: WDR62-related condition.
Intellectual disability. Also called: Intellectual functioning disability; Intellectual developmental disorder; intellectual disabilities. Identifiers: MedGen C3714756, MeSH D008607, MONDO:0001071, HP:0001249.

Allele frequency attached by ClinVar (database versions not stated): gnomAD exomes below 0.00001 and 0.00001; ExAC 0.00001; gnomAD 0.00001.
gnomAD v4.1: 5 of 1,613,710 alleles (0.00031%); highest among the groups gnomAD compares: South Asian, 0.0044%; no homozygotes.

Submissions (4):

Blueprint Genetics
Classification: Pathogenic for WDR62-related disorders. Last evaluated: 2022-07-12. Review status: criteria provided, single submitter. Criteria: ACMG Guidelines, 2015. Collection method: clinical testing. Allele origin: germline. Affected: yes. Observed: 1 variant allele.

GeneDx
Classification: Pathogenic. Last evaluated: 2020-11-04. Review status: criteria provided, single submitter. Criteria: GeneDx Variant Classification Process June 2021. Collection method: clinical testing. Allele origin: germline. Affected: yes.
Comment: Published functional studies demonstrate exon 21 skipping resulting in an aberrant transcript (Wang et al., 2017); Not observed at a significant frequency in large population cohorts (Lek et al., 2016); Intronic +5 splice site variant in a gene for which loss-of-function is a known mechanism of disease, and both splice predictors and evolutionary conservation support a deleterious effect, although in the absence of functional evidence the actual effect of this sequence change is unknown.; This variant is associated with the following publications: (PMID: 30167849, 30706430, 27784895)

Labcorp Genetics (formerly Invitae), Labcorp
Classification: Pathogenic. Last evaluated: 2019-08-13. Review status: criteria provided, single submitter. Criteria: Invitae Variant Classification Sherloc (09022015). Collection method: clinical testing. Allele origin: germline.
Comment: This sequence change falls in intron 21 of the WDR62 gene. It does not directly change the encoded amino acid sequence of the WDR62 protein, but it affects a nucleotide within the consensus splice site of the intron. This variant is present in population databases (rs754976942, ExAC 0.009%). This variant has been observed to segregate with WDR62-related disease in two families (PMID: 27784895, 30167849). Nucleotide substitutions within the consensus splice site are a relatively common cause of aberrant splicing (PMID: 17576681, 9536098). Experimental studies have shown that this variant disrupts mRNA splicing (PMID: 27784895). For these reasons, this variant has been classified as Pathogenic.

University of Washington Center for Mendelian Genomics, University of Washington
Classification: Likely pathogenic for Intellectual Disability. Review status: no assertion criteria provided. Collection method: research. Allele origin: inherited. Affected: yes. Not counted in ClinVar's aggregate classification.

Literature cited by the submitters: PubMed 27784895 (cited by Labcorp Genetics (formerly Invitae), Labcorp); PubMed 30167849 (cited by Labcorp Genetics (formerly Invitae), Labcorp and University of Washington Center for Mendelian Genomics, University of Washington); PubMed 17576681 (cited by Labcorp Genetics (formerly Invitae), Labcorp); PubMed 9536098 (cited by Labcorp Genetics (formerly Invitae), Labcorp).